The following is an entry in ClinVar:

NM_172107.4(KCNQ2):c.830C>G (p.Thr277Ser)

Gene: KCNQ2 (potassium voltage-gated channel subfamily Q member 2; minus strand). Cytogenetic location: 20q13.33.
Variant type: single nucleotide variant.
Coding change: c.830C>G on transcript NM_172107.4 (MANE Select); coding-DNA position 830, C replaced by G.
Protein change: p.Thr277Ser; replaces threonine 277 with serine.
Molecular consequence: missense variant.
Genome position (GRCh38, 1-based): chr20:63,439,695, G>C on the plus strand (C>G on the coding strand, the complement: KCNQ2 is on the minus strand). VCF-style: chr20-63439695-G-C. GRCh37 (hg19) VCF-style: chr20-62071048-G-C.
Other names: c.830C>G, p.Thr277Ser (NM_001382235.1, NM_004518.6, NM_172106.3 and 2 more transcripts); short protein forms T277S.
Identifiers: ClinVar variation 2074244 (VCV002074244.4), dbSNP rs1600755607, ClinGen allele CA409652735.

ClinVar aggregate classification (germline): Pathogenic (1 of 4 stars; one submission).

Conditions:
Early-infantile DEE. Also called: Ohtahara syndrome; Early infantile epileptic encephalopathy with suppression bursts; Early infantile epileptic encephalopathy. Identifiers: Orphanet 1934, MedGen C0393706, MONDO:0800491.

Submission:

Labcorp Genetics (formerly Invitae), Labcorp
Classification: Pathogenic for Early-infantile DEE. Last evaluated: 2023-10-03. Review status: criteria provided, single submitter. Criteria: Invitae Variant Classification Sherloc (09022015). Collection method: clinical testing. Allele origin: germline.
Comment: This sequence change replaces threonine, which is neutral and polar, with serine, which is neutral and polar, at codon 277 of the KCNQ2 protein (p.Thr277Ser). This variant is not present in population databases (gnomAD no frequency). This missense change has been observed in individual(s) with KCNQ2-related conditions (PMID: 31780880). ClinVar contains an entry for this variant (Variation ID: 2074244). Advanced modeling of protein sequence and biophysical properties (such as structural, functional, and spatial information, amino acid conservation, physicochemical variation, residue mobility, and thermodynamic stability) performed at Invitae indicates that this missense variant is expected to disrupt KCNQ2 protein function. For these reasons, this variant has been classified as Pathogenic.

Literature cited by the submitters: PubMed 31780880.